The following is an entry in ClinVar:

NM_000429.3(MAT1A):c.646G>A (p.Glu216Lys)

Gene: MAT1A (methionine adenosyltransferase 1A; minus strand). Cytogenetic location: 10q22.3.
Variant type: single nucleotide variant.
Coding change: c.646G>A on transcript NM_000429.3 (MANE Select); coding-DNA position 646, G replaced by A.
Protein change: p.Glu216Lys; replaces glutamic acid 216 with lysine.
Molecular consequence: missense variant.
Genome position (GRCh38, 1-based): chr10:80,276,498, C>T on the plus strand (G>A on the coding strand, the complement: MAT1A is on the minus strand). VCF-style: chr10-80276498-C-T. GRCh37 (hg19) VCF-style: chr10-82036254-C-T.
Other names: short protein forms E216K.
Identifiers: ClinVar variation 3730602 (VCV003730602.2).

ClinVar aggregate classification (germline): Uncertain significance (1 of 4 stars; one submission).

Conditions:
Hepatic methionine adenosyltransferase deficiency. Also called: Deficiency of methionine adenosyltransferase; Methionine adenosyltransferase deficiency; Isolated Persistent Hypermethioninemia; MAT I/III DEFICIENCY. Identifiers: Orphanet 168598, MedGen C0268621, MeSH C564683, MONDO:0009607, OMIM 250850.

Submission:

Labcorp Genetics (formerly Invitae), Labcorp
Classification: Uncertain significance for Hepatic methionine adenosyltransferase deficiency. Last evaluated: 2024-04-25. Review status: criteria provided, single submitter. Criteria: Invitae Variant Classification Sherloc (09022015). Collection method: clinical testing. Allele origin: germline.
Comment: This sequence change replaces glutamic acid, which is acidic and polar, with lysine, which is basic and polar, at codon 216 of the MAT1A protein (p.Glu216Lys). This variant is not present in population databases (gnomAD no frequency). This variant has not been reported in the literature in individuals affected with MAT1A-related conditions. Advanced modeling of protein sequence and biophysical properties (such as structural, functional, and spatial information, amino acid conservation, physicochemical variation, residue mobility, and thermodynamic stability) performed at Invitae indicates that this missense variant is not expected to disrupt MAT1A protein function with a negative predictive value of 80%. In summary, the available evidence is currently insufficient to determine the role of this variant in disease. Therefore, it has been classified as a Variant of Uncertain Significance.